The following is an entry in ClinVar:

NM_000489.6(ATRX):c.3211G>A (p.Gly1071Arg)

Gene: ATRX (ATRX chromatin remodeler; minus strand). Cytogenetic location: Xq21.1.
Variant type: single nucleotide variant.
Coding change: c.3211G>A on transcript NM_000489.6 (MANE Select); coding-DNA position 3211, G replaced by A.
Protein change: p.Gly1071Arg; replaces glycine 1071 with arginine.
Molecular consequence: missense variant.
Genome position (GRCh38, 1-based): chrX:77,682,045, C>T on the plus strand (G>A on the coding strand, the complement: ATRX is on the minus strand). VCF-style: chrX-77682045-C-T. GRCh37 (hg19) VCF-style: chrX-76937537-C-T.
Other names: c.3097G>A, p.Gly1033Arg (NM_138270.5); short protein forms G1071R, G1033R.
Identifiers: ClinVar variation 465052 (VCV000465052.15), dbSNP rs143621153, ClinGen allele CA10457983.

ClinVar aggregate classification (germline): Conflicting classifications of pathogenicity. Review status: criteria provided, conflicting classifications (1 of 4 stars). 5 submissions from 5 submitters: Uncertain significance (1); Likely benign (3). 1 of the submissions does not count toward it. Last evaluated 2025-10-13.

Conditions:
Inborn genetic diseases. Identifiers: MedGen C0950123, MeSH D030342.
Acquired hemoglobin H disease (ATMDS). Also called: Alpha-thalassemia myelodysplasia syndrome; Alpha-thalassemia myelodysplasia syndrome, somatic; Alpha-thalassemia-myelodysplastic syndrome. Identifiers: Orphanet 231401, MedGen C0585216, MONDO:0010328, OMIM 300448.
Alpha thalassemia-X-linked intellectual disability syndrome (ATRX). Also called: ALPHA-THALASSEMIA/MENTAL RETARDATION SYNDROME, X-LINKED; ATR, NONDELETION TYPE; X-linked alpha-thalassemia-mental retardation syndrome; ALPHA-THALASSEMIA/IMPAIRED INTELLECTUAL DEVELOPMENT SYNDROME, X-LINKED; ATR-X syndrome; Alpha thalassemia mental retardation syndrome, nondeletion type, X-linked. Identifiers: Orphanet 847, MedGen C1845055, MONDO:0010519, OMIM 301040.
Intellectual disability-hypotonic facies syndrome, X-linked, 1 (MRXHF1). Also called: X-linked intellectual disability-hypotonic face syndrome; XLMR-HYPOTONIC FACIES SYNDROME; HOLMES-GANG SYNDROME; Smith Fineman Myers syndrome 1; CHUDLEY-LOWRY SYNDROME; Chudley syndrome 1. Identifiers: Orphanet 73220, Orphanet 93970, Orphanet 93971, Orphanet 93972, Orphanet 93973, Orphanet 93974, Orphanet 93975, MedGen C4759781, MONDO:0010663, OMIM 309580.
ATRX-related disorder. Also called: ATRX-related condition.

Allele frequency attached by ClinVar (database versions not stated): ExAC 0.00001; ESP Exome Variant Server 0.00009; gnomAD exomes 0.00004 and 0.00002; gnomAD 0.00002 and 0.00001; TOPMed 0.00001.
gnomAD v4.1: 44 of 1,209,149 alleles (0.0036%); highest among the groups gnomAD compares: Non-Finnish European, 0.0048%; no homozygotes.

Submissions (5):

Labcorp Genetics (formerly Invitae), Labcorp
Classification: Likely benign for Alpha thalassemia-X-linked intellectual disability syndrome. Last evaluated: 2025-10-13. Review status: criteria provided, single submitter. Criteria: Invitae Variant Classification Sherloc (09022015). Collection method: clinical testing. Allele origin: germline.

Blueprint Genetics
Classification: Likely benign. Last evaluated: 2024-10-24. Review status: criteria provided, single submitter. Criteria: ACMG Guidelines, 2015. Collection method: clinical testing. Allele origin: germline.

Fulgent Genetics
Classification: Uncertain significance for Acquired hemoglobin H disease; Alpha thalassemia-X-linked intellectual disability syndrome; Intellectual disability-hypotonic facies syndrome, X-linked, 1. Last evaluated: 2018-10-31. Review status: criteria provided, single submitter. Criteria: ACMG Guidelines, 2015. Collection method: clinical testing. Allele origin: unknown.

Ambry Genetics
Classification: Likely benign for Inborn genetic diseases. Last evaluated: 2016-10-11. Review status: criteria provided, single submitter. Criteria: Ambry Variant Classification Scheme 2023. Collection method: clinical testing. Allele origin: germline.

PreventionGenetics, part of Exact Sciences
Classification: Uncertain significance for ATRX-related condition. Last evaluated: 2024-02-20. Review status: no assertion criteria provided. Collection method: clinical testing. Allele origin: germline. Not counted in ClinVar's aggregate classification.
Comment: The ATRX c.3211G>A variant is predicted to result in the amino acid substitution p.Gly1071Arg. To our knowledge, this variant has not been reported in the literature. This variant is reported in 0.0037% of alleles in individuals of European (Non-Finnish) descent in gnomAD. At this time, the clinical significance of this variant is uncertain due to the absence of conclusive functional and genetic evidence.